The following is an entry in ClinVar:

ClinVar aggregate classification (germline): Uncertain significance. Review status: criteria provided, multiple submitters, no conflicts (2 of 4 stars). 2 submissions from 2 submitters: Uncertain significance (2). Last evaluated 2024-05-17.

Conditions:
Hereditary breast ovarian cancer syndrome. Also called: Hereditary breast and ovarian cancer; Hereditary breast and ovarian cancer syndrome; Breast and ovarian cancer; BRCA1- and BRCA2-Associated Hereditary Breast and Ovarian Cancer; Hereditary breast and/or ovarian cancer syndrome; Hereditary breast and ovarian cancer syndrome (HBOC). Identifiers: Orphanet 145, MedGen C0677776, MeSH D061325, MONDO:0003582. Disease mechanism: loss of function.

gnomAD v4.1: 1 of 1,614,152 alleles (0.000062%); no homozygotes.

Submissions (2):

GeneDx
Classification: Uncertain significance. Last evaluated: 2024-05-17. Review status: criteria provided, single submitter. Criteria: GeneDx Variant Classification Process June 2021. Collection method: clinical testing. Allele origin: germline. Affected: yes.
Comment: Not observed at significant frequency in large population cohorts (gnomAD); In silico analysis supports that this missense variant has a deleterious effect on protein structure/function; Has not been previously published as pathogenic or benign to our knowledge; Also known as 7984T>C; This variant is associated with the following publications: (PMID: 12228710)

Labcorp Genetics (formerly Invitae), Labcorp
Classification: Uncertain significance for Hereditary breast ovarian cancer syndrome. Last evaluated: 2022-02-23. Review status: criteria provided, single submitter. Criteria: Invitae Variant Classification Sherloc (09022015). Collection method: clinical testing. Allele origin: germline.
Comment: In summary, the available evidence is currently insufficient to determine the role of this variant in disease. Therefore, it has been classified as a Variant of Uncertain Significance. Advanced modeling of protein sequence and biophysical properties (such as structural, functional, and spatial information, amino acid conservation, physicochemical variation, residue mobility, and thermodynamic stability) performed at Invitae indicates that this missense variant is not expected to disrupt BRCA2 protein function. This variant has not been reported in the literature in individuals affected with BRCA2-related conditions. This variant is not present in population databases (gnomAD no frequency). This sequence change replaces tryptophan, which is neutral and slightly polar, with arginine, which is basic and polar, at codon 2586 of the BRCA2 protein (p.Trp2586Arg).

NM_000059.4(BRCA2):c.7756T>C (p.Trp2586Arg)

Gene: BRCA2 (BRCA2 DNA repair associated; plus strand). Cytogenetic location: 13q13.1.
Variant type: single nucleotide variant.
Coding change: c.7756T>C on transcript NM_000059.4 (MANE Select); coding-DNA position 7756, T replaced by C.
Protein change: p.Trp2586Arg; replaces tryptophan 2586 with arginine.
Molecular consequence: missense variant.
Genome position (GRCh38, 1-based): chr13:32,357,880, T>C. VCF-style: chr13-32357880-T-C. GRCh37 (hg19) VCF-style: chr13-32932017-T-C.
Other names: c.7660T>C, p.Trp2554Arg (NM_001406719.1); c.7756T>C, p.Trp2586Arg (NM_001406720.1); c.2824T>C, p.Trp942Arg (NM_001406721.1); c.1339T>C, p.Trp447Arg (NM_001406722.1); short protein forms W2554R, W2586R, W447R, W942R.
Identifiers: ClinVar variation 2102292 (VCV002102292.5), dbSNP rs2548542706, ClinGen allele CA387745788.